The following is an entry in ClinVar:

NM_000320.3(QDPR):c.508G>A (p.Gly170Ser)

Gene: QDPR (quinoid dihydropteridine reductase; minus strand). Cytogenetic location: 4p15.32.
Variant type: single nucleotide variant.
Coding change: c.508G>A on transcript NM_000320.3 (MANE Select); coding-DNA position 508, G replaced by A.
Protein change: p.Gly170Ser; replaces glycine 170 with serine.
Molecular consequence: missense variant.
Genome position (GRCh38, 1-based): chr4:17,492,269, C>T on the plus strand (G>A on the coding strand, the complement: QDPR is on the minus strand). VCF-style: chr4-17492269-C-T. GRCh37 (hg19) VCF-style: chr4-17493892-C-T.
Other names: c.415G>A, p.Gly139Ser (NM_001306140.2); short protein forms G139S, G170S.
Identifiers: ClinVar variation 1067174 (VCV001067174.7), dbSNP rs769460415, ClinGen allele CA2868087.

ClinVar aggregate classification (germline): Pathogenic (1 of 4 stars; one submission).

Conditions:
Dihydropteridine reductase deficiency (HPABH4C). Also called: DHPR DEFICIENCY; BH4-Deficient Hyperphenylalaninemia C; HYPERPHENYLALANINEMIA, TETRAHYDROBIOPTERIN-DEFICIENT, DUE TO DHPR DEFICIENCY; QDPR DEFICIENCY; QUINOID DIHYDROPTERIDINE REDUCTASE DEFICIENCY; Phenylketonuria II. Identifiers: Orphanet 226, Orphanet 238583, MedGen C0268465, MONDO:0009862, OMIM 261630.

Allele frequency attached by ClinVar (database versions not stated): gnomAD exomes below 0.00001; gnomAD 0.00001; TOPMed 0.00001; ExAC 0.00001.
gnomAD v4.1: 20 of 1,613,972 alleles (0.0012%); highest among the groups gnomAD compares: South Asian, 0.0022%; no homozygotes.

Submission:

Labcorp Genetics (formerly Invitae), Labcorp
Classification: Pathogenic for Dihydropteridine reductase deficiency. Last evaluated: 2023-08-30. Review status: criteria provided, single submitter. Criteria: Invitae Variant Classification Sherloc (09022015). Collection method: clinical testing. Allele origin: germline.
Comment: For these reasons, this variant has been classified as Pathogenic. This sequence change replaces glycine, which is neutral and non-polar, with serine, which is neutral and polar, at codon 170 of the QDPR protein (p.Gly170Ser). This variant is present in population databases (rs769460415, gnomAD 0.0009%). This missense change has been observed in individual(s) with tetrahydrobiopterin-deficient hyperphenylalaninemia (PMID: 8518287, 11694255, 30221392, 32905092). This variant is also known as G523A (Gly170Thr). ClinVar contains an entry for this variant (Variation ID: 1067174). An algorithm developed to predict the effect of missense changes on protein structure and function (PolyPhen-2) suggests that this variant is likely to be disruptive. Experimental studies are conflicting or provide insufficient evidence to determine the effect of this variant on QDPR function (PMID: 11694255).

Literature cited by the submitters: PubMed 8518287; PubMed 11694255; PubMed 30221392; PubMed 32905092.